The following is an entry in ClinVar:

ClinVar aggregate classification (germline): Conflicting classifications of pathogenicity. Review status: criteria provided, conflicting classifications (1 of 4 stars). 4 submissions from 4 submitters: Uncertain significance (1); Likely benign (3). Last evaluated 2024-08-01.

Conditions:
Rhabdoid tumor predisposition syndrome 2 (RTPS2). Identifiers: Orphanet 231108, Orphanet 69077, MedGen C2750074, MONDO:0013224, OMIM 613325.
Hereditary cancer-predisposing syndrome. Also called: Tumor predisposition; Hereditary neoplastic syndrome; Neoplastic Syndromes, Hereditary; Hereditary Cancer Syndrome. Identifiers: Orphanet 140162, MedGen C0027672, MeSH D009386, MONDO:0015356.
Intellectual disability, autosomal dominant 16 (CSS4). Also called: COFFIN-SIRIS SYNDROME 4. Identifiers: Orphanet 1465, MedGen C3553249, MONDO:0013821, OMIM 614609.

Submissions (4):

CeGaT Center for Human Genetics Tuebingen
Classification: Likely benign. Last evaluated: 2024-08-01. Review status: criteria provided, single submitter. Criteria: CeGaT Center For Human Genetics Tuebingen Variant Classification Criteria Version 2. Collection method: clinical testing. Allele origin: germline. Affected: yes. Observed: 1 variant allele.
Comment: SMARCA4: PM2:Supporting, BP4, BP7

Labcorp Genetics (formerly Invitae), Labcorp
Classification: Likely benign for Rhabdoid tumor predisposition syndrome 2. Last evaluated: 2024-05-06. Review status: criteria provided, single submitter. Criteria: Invitae Variant Classification Sherloc (09022015). Collection method: clinical testing. Allele origin: germline.

Genome-Nilou Lab
Classification: Uncertain significance for Intellectual disability, autosomal dominant 16. Last evaluated: 2021-07-15. Review status: criteria provided, single submitter. Criteria: ACMG Guidelines, 2015. Collection method: clinical testing. Allele origin: germline. Affected: no.

Ambry Genetics
Classification: Likely benign for Hereditary cancer-predisposing syndrome. Last evaluated: 2018-06-29. Review status: criteria provided, single submitter. Criteria: Ambry Variant Classification Scheme 2023. Collection method: clinical testing. Allele origin: germline.

NM_003072.5(SMARCA4):c.948T>A (p.Pro316=)

Gene: SMARCA4 (SWI/SNF related BAF chromatin remodeling complex subunit ATPase 4; plus strand). Cytogenetic location: 19p13.2.
Variant type: single nucleotide variant.
Coding change: c.948T>A on transcript NM_003072.5 (MANE Select); coding-DNA position 948, T replaced by A.
Protein change: p.Pro316=; no amino-acid change (proline 316 retained).
Molecular consequence: synonymous variant. On other transcripts: non-coding transcript variant (1).
Genome position (GRCh38, 1-based): chr19:10,987,754, T>A. VCF-style: chr19-10987754-T-A. GRCh37 (hg19) VCF-style: chr19-11098430-T-A.
Other names: c.948T>A, p.Pro316= (NM_001128844.3, NM_001128845.2, NM_001128846.2 and 4 more transcripts).
Identifiers: ClinVar variation 823280 (VCV000823280.36), dbSNP rs1599968129, ClinGen allele CA505489662.